The following is an entry in ClinVar:

ClinVar aggregate classification (germline): Uncertain significance (1 of 4 stars; one submission).

Allele frequency attached by ClinVar (database versions not stated): TOPMed below 0.00001; gnomAD 0.00001; gnomAD exomes 0.00002.
gnomAD v4.1: 33 of 1,613,962 alleles (0.002%); highest among the groups gnomAD compares: Non-Finnish European, 0.0027%; no homozygotes.

Submission:

Labcorp Genetics (formerly Invitae), Labcorp
Classification: Uncertain significance. Last evaluated: 2022-02-04. Review status: criteria provided, single submitter. Criteria: Invitae Variant Classification Sherloc (09022015). Collection method: clinical testing. Allele origin: germline.
Comment: This variant has not been reported in the literature in individuals affected with LRP2-related conditions. Advanced modeling of protein sequence and biophysical properties (such as structural, functional, and spatial information, amino acid conservation, physicochemical variation, residue mobility, and thermodynamic stability) performed at Invitae indicates that this missense variant is expected to disrupt LRP2 protein function. In summary, the available evidence is currently insufficient to determine the role of this variant in disease. Therefore, it has been classified as a Variant of Uncertain Significance. This sequence change replaces aspartic acid, which is acidic and polar, with glycine, which is neutral and non-polar, at codon 2113 of the LRP2 protein (p.Asp2113Gly). This variant is present in population databases (no rsID available, gnomAD 0.002%).

NM_004525.3(LRP2):c.6338A>G (p.Asp2113Gly)

Gene: LRP2 (LDL receptor related protein 2; minus strand). Cytogenetic location: 2q31.1.
Variant type: single nucleotide variant.
Coding change: c.6338A>G on transcript NM_004525.3 (MANE Select); coding-DNA position 6338, A replaced by G.
Protein change: p.Asp2113Gly; replaces aspartic acid 2113 with glycine.
Molecular consequence: missense variant.
Genome position (GRCh38, 1-based): chr2:169,209,584, T>C on the plus strand (A>G on the coding strand, the complement: LRP2 is on the minus strand). VCF-style: chr2-169209584-T-C. GRCh37 (hg19) VCF-style: chr2-170066094-T-C.
Other names: short protein forms D2113G.
Identifiers: ClinVar variation 1960952 (VCV001960952.5), dbSNP rs1310280470, ClinGen allele CA349129470.
Genomic context (GRCh38, chr2:169,209,584, plus strand): 5'-GAAGATCCATCTGGTTTAATTCTACGGATCGCATTATCAGATGCCACTGAGCTGCTAAAA[T>C]CACACCAATAAATAAAGCCAGAGGACACATCCACATCCACATGCAGTGCGTTTCGTCCTG-3'
Protein context (NP_004516.2, residues 2103-2123): DVSSGFIYWC[Asp2113Gly]FSSSVASDNA